The following is an entry in ClinVar:

ClinVar aggregate classification (germline): Uncertain significance. Review status: criteria provided, multiple submitters, no conflicts (2 of 4 stars). 2 submissions from 2 submitters: Uncertain significance (2). Last evaluated 2025-02-12.

Conditions:
Hereditary cancer-predisposing syndrome. Also called: Hereditary Cancer Syndrome; Tumor predisposition; Neoplastic Syndromes, Hereditary; Hereditary neoplastic syndrome. Identifiers: Orphanet 140162, MedGen C0027672, MeSH D009386, MONDO:0015356.
Gastrointestinal stromal tumor. Also called: Gastrointestinal stromal tumor, somatic; Gastrointestinal stroma tumor. Identifiers: Orphanet 44890, MedGen C0238198, MeSH D046152, MONDO:0011719, OMIM 606764, HP:0100723.

Submissions (2):

Labcorp Genetics (formerly Invitae), Labcorp
Classification: Uncertain significance for Gastrointestinal stromal tumor. Last evaluated: 2025-02-12. Review status: criteria provided, single submitter. Criteria: Invitae Variant Classification Sherloc (09022015). Collection method: clinical testing. Allele origin: germline.
Comment: This sequence change replaces histidine, which is basic and polar, with tyrosine, which is neutral and polar, at codon 696 of the PDGFRA protein (p.His696Tyr). This variant is not present in population databases (gnomAD no frequency). This variant has not been reported in the literature in individuals affected with PDGFRA-related conditions. ClinVar contains an entry for this variant (Variation ID: 572930). Invitae Evidence Modeling of protein sequence and biophysical properties (such as structural, functional, and spatial information, amino acid conservation, physicochemical variation, residue mobility, and thermodynamic stability) indicates that this missense variant is not expected to disrupt PDGFRA protein function with a negative predictive value of 80%. In summary, the available evidence is currently insufficient to determine the role of this variant in disease. Therefore, it has been classified as a Variant of Uncertain Significance.

Ambry Genetics
Classification: Uncertain significance for Hereditary cancer-predisposing syndrome. Last evaluated: 2024-11-28. Review status: criteria provided, single submitter. Criteria: Ambry Variant Classification Scheme 2023. Collection method: clinical testing. Allele origin: germline.
Comment: The p.H696Y variant (also known as c.2086C>T), located in coding exon 14 of the PDGFRA gene, results from a C to T substitution at nucleotide position 2086. The histidine at codon 696 is replaced by tyrosine, an amino acid with similar properties. This amino acid position is conserved. In addition, this alteration is predicted to be tolerated by in silico analysis. Since supporting evidence is limited at this time, the clinical significance of this alteration remains unclear.

NM_006206.6(PDGFRA):c.2086C>T (p.His696Tyr)

Gene: PDGFRA (platelet derived growth factor receptor alpha; plus strand). Cytogenetic location: 4q12.
Variant type: single nucleotide variant.
Coding change: c.2086C>T on transcript NM_006206.6 (MANE Select); coding-DNA position 2086, C replaced by T.
Protein change: p.His696Tyr; replaces histidine 696 with tyrosine.
Molecular consequence: missense variant.
Genome position (GRCh38, 1-based): chr4:54,278,445, C>T. VCF-style: chr4-54278445-C-T. GRCh37 (hg19) VCF-style: chr4-55144612-C-T.
Other names: c.2086C>T, p.His696Tyr (NM_001347827.2, NM_001347829.2); c.2161C>T, p.His721Tyr (NM_001347828.2); c.2125C>T, p.His709Tyr (NM_001347830.2); short protein forms H696Y, H709Y, H721Y.
Identifiers: ClinVar variation 572930 (VCV000572930.13), dbSNP rs1560483777, ClinGen allele CA356894014.
Genomic context (GRCh38, chr4:54,278,445, plus strand): 5'-TATTGCTTCTATGGAGATTTGGTCAACTATTTGCATAAGAATAGGGATAGCTTCCTGAGC[C>T]ACCACCCAGAGAAGCCAAAGAAAGAGCTGGATATCTTTGGATTGAACCCTGCTGATGAAA-3'
Protein context (NP_006197.1, residues 686-706): LHKNRDSFLS[His696Tyr]HPEKPKKELD